The following is an entry in ClinVar:

NM_007294.4(BRCA1):c.3207A>T (p.Gln1069His)

Gene: BRCA1 (BRCA1 DNA repair associated; minus strand). Cytogenetic location: 17q21.31.
Variant type: single nucleotide variant.
Coding change: c.3207A>T on transcript NM_007294.4 (MANE Select); coding-DNA position 3207, A replaced by T.
Protein change: p.Gln1069His; replaces glutamine 1069 with histidine.
Molecular consequence: missense variant. On other transcripts: intron variant (137).
Genome position (GRCh38, 1-based): chr17:43,092,324, T>A on the plus strand (A>T on the coding strand, the complement: BRCA1 is on the minus strand). VCF-style: chr17-43092324-T-A. GRCh37 (hg19) VCF-style: chr17-41244341-T-A.
Other names: c.2994A>T, p.Gln998His (NM_001407571.1, NM_001407853.1, NM_001407894.1 and 9 more transcripts); c.3207A>T, p.Gln1069His (NM_001407581.1, NM_001407582.1, NM_001407583.1 and 30 more transcripts); c.3204A>T, p.Gln1068His (NM_001407587.1, NM_001407590.1, NM_001407591.1 and 22 more transcripts); c.3198A>T, p.Gln1066His (NM_001407646.1, NM_001407647.1); c.3084A>T, p.Gln1028His (NM_001407648.1, NM_001407664.1, NM_001407665.1 and 19 more transcripts); c.3081A>T, p.Gln1027His (NM_001407649.1, NM_001407670.1, NM_001407671.1 and 11 more transcripts); c.3129A>T, p.Gln1043His (NM_001407653.1, NM_001407654.1, NM_001407655.1 and 4 more transcripts); c.3126A>T, p.Gln1042His (NM_001407659.1, NM_001407660.1, NM_001407661.1 and 1 more transcripts); and 41 more; short protein forms Q1069H, Q1022H, Q1043H, Q1066H, Q773H, Q901H, Q998H, Q1002H.
Identifiers: ClinVar variation 631034 (VCV000631034.7), dbSNP rs1567792523, ClinGen allele CA10595564.

ClinVar aggregate classification (germline): Conflicting classifications of pathogenicity. Review status: criteria provided, conflicting classifications (1 of 4 stars). 3 submissions from 3 submitters: Uncertain significance (2); Likely benign (1). Last evaluated 2025-02-24.

Conditions:
Hereditary breast ovarian cancer syndrome. Also called: Hereditary breast and ovarian cancer; Hereditary breast and ovarian cancer syndrome (HBOC); Breast and ovarian cancer; Hereditary breast and ovarian cancer syndrome; BRCA1- and BRCA2-Associated Hereditary Breast and Ovarian Cancer; Hereditary breast and/or ovarian cancer syndrome. Identifiers: Orphanet 145, MedGen C0677776, MeSH D061325, MONDO:0003582. Disease mechanism: loss of function.
Hereditary cancer-predisposing syndrome. Also called: Tumor predisposition; Neoplastic Syndromes, Hereditary; Hereditary neoplastic syndrome; Hereditary Cancer Syndrome. Identifiers: Orphanet 140162, MedGen C0027672, MeSH D009386, MONDO:0015356.

Submissions (3):

Labcorp Genetics (formerly Invitae), Labcorp
Classification: Uncertain significance for Hereditary breast ovarian cancer syndrome. Last evaluated: 2025-02-24. Review status: criteria provided, single submitter. Criteria: Invitae Variant Classification Sherloc (09022015). Collection method: clinical testing. Allele origin: germline.
Comment: This sequence change replaces glutamine, which is neutral and polar, with histidine, which is basic and polar, at codon 1069 of the BRCA1 protein (p.Gln1069His). This variant is not present in population databases (gnomAD no frequency). This variant has not been reported in the literature in individuals affected with BRCA1-related conditions. ClinVar contains an entry for this variant (Variation ID: 631034). Invitae Evidence Modeling of protein sequence and biophysical properties (such as structural, functional, and spatial information, amino acid conservation, physicochemical variation, residue mobility, and thermodynamic stability) indicates that this missense variant is not expected to disrupt BRCA1 protein function with a negative predictive value of 80%. In summary, the available evidence is currently insufficient to determine the role of this variant in disease. Therefore, it has been classified as a Variant of Uncertain Significance.

University of Washington Department of Laboratory Medicine, University of Washington
Classification: Likely benign for Hereditary cancer-predisposing syndrome. Last evaluated: 2023-03-23. Review status: criteria provided, single submitter. Criteria: Dines et al. (Genet Med. 2020). Collection method: curation. Allele origin: germline.
Comment: Missense variant in a coldspot region where missense variants are very unlikely to be pathogenic (PMID:31911673).

BRCA1 coldspot (exon 11 using historical exon numbering). Reclassification based on statistical prior probability

Color Diagnostics, LLC DBA Color Health
Classification: Uncertain significance for Hereditary cancer-predisposing syndrome. Last evaluated: 2019-06-22. Review status: criteria provided, single submitter. Criteria: ACMG Guidelines, 2015. Collection method: clinical testing. Allele origin: germline.